The following is an entry in ClinVar:

ClinVar aggregate classification (germline): Uncertain significance. Review status: criteria provided, multiple submitters, no conflicts (2 of 4 stars). 2 submissions from 2 submitters: Uncertain significance (2). Last evaluated 2022-12-12.

Conditions:
Hereditary cancer-predisposing syndrome. Also called: Hereditary Cancer Syndrome; Neoplastic Syndromes, Hereditary; Tumor predisposition; Hereditary neoplastic syndrome. Identifiers: Orphanet 140162, MedGen C0027672, MeSH D009386, MONDO:0015356.

Allele frequency attached by ClinVar (database versions not stated): gnomAD exomes below 0.00001; TOPMed below 0.00001; gnomAD 0.00001.
gnomAD v4.1: 2 of 1,602,734 alleles (0.00012%); highest among the groups gnomAD compares: Non-Finnish European, 0.00017%; no homozygotes.

Submissions (2):

GeneDx
Classification: Uncertain significance. Last evaluated: 2022-12-12. Review status: criteria provided, single submitter. Criteria: GeneDx Variant Classification Process June 2021. Collection method: clinical testing. Allele origin: germline. Affected: yes.
Comment: Not observed at significant frequency in large population cohorts (gnomAD); Located in a region that tolerates variation and lacks pathogenic variants; Has not been previously published as pathogenic or benign to our knowledge

Ambry Genetics
Classification: Uncertain significance for Hereditary cancer-predisposing syndrome. Last evaluated: 2022-06-28. Review status: criteria provided, single submitter. Criteria: Ambry Variant Classification Scheme 2023. Collection method: clinical testing. Allele origin: germline.
Comment: The c.-4C>T variant is located in the 5' untranslated region (5&rsquo; UTR) of the SMARCB1 gene. This variant results from a C to T substitution 4 bases upstream from the first translated codon. This nucleotide position is highly conserved in available vertebrate species. Since supporting evidence is limited at this time, the clinical significance of this alteration remains unclear.

NM_003073.5(SMARCB1):c.-4C>T

Gene: SMARCB1 (SWI/SNF related BAF chromatin remodeling complex subunit B1; plus strand). Cytogenetic location: 22q11.23.
Variant type: single nucleotide variant.
Coding change: c.-4C>T on transcript NM_003073.5 (MANE Select); 4 bases upstream of the start codon, C replaced by T.
Molecular consequence: 5 prime UTR variant.
Genome position (GRCh38, 1-based): chr22:23,787,166, C>T. VCF-style: chr22-23787166-C-T. GRCh37 (hg19) VCF-style: chr22-24129353-C-T.
Other names: c.-4C>T (NM_001007468.3, NM_001317946.2, NM_001362877.2).
Identifiers: ClinVar variation 1744698 (VCV001744698.3), dbSNP rs1928039490, ClinGen allele CA1024493569.